The following is an entry in ClinVar:

ClinVar aggregate classification (germline): Uncertain significance (1 of 4 stars; one submission).

Conditions:
Hereditary pheochromocytoma and paraganglioma. Also called: Hereditary Paraganglioma-Pheochromocytoma Syndromes; Hereditary pheochromocytoma-paraganglioma; Hereditary paragangliomas and pheochromocytomas. Identifiers: Orphanet 29072, MedGen C4274332, MONDO:0017366.

Submission:

Labcorp Genetics (formerly Invitae), Labcorp
Classification: Uncertain significance for Hereditary pheochromocytoma and paraganglioma. Last evaluated: 2023-09-03. Review status: criteria provided, single submitter. Criteria: Invitae Variant Classification Sherloc (09022015). Collection method: clinical testing. Allele origin: germline.
Comment: This variant has not been reported in the literature in individuals affected with MAX-related conditions. In summary, the available evidence is currently insufficient to determine the role of this variant in disease. Therefore, it has been classified as a Variant of Uncertain Significance. An algorithm developed to predict the effect of missense changes on protein structure and function (PolyPhen-2) suggests that this variant is likely to be disruptive. This variant is not present in population databases (gnomAD no frequency). This sequence change replaces lysine, which is basic and polar, with glutamic acid, which is acidic and polar, at codon 154 of the MAX protein (p.Lys154Glu).

NM_002382.5(MAX):c.460A>G (p.Lys154Glu)

Gene: MAX (MYC associated transcriptional regulator X; minus strand). Cytogenetic location: 14q23.3.
Variant type: single nucleotide variant.
Coding change: c.460A>G on transcript NM_002382.5 (MANE Select); coding-DNA position 460, A replaced by G.
Protein change: p.Lys154Glu; replaces lysine 154 with glutamic acid.
Molecular consequence: missense variant. On other transcripts: non-coding transcript variant (7), intron variant (2), 3 prime UTR variant (12).
Genome position (GRCh38, 1-based): chr14:65,076,499, T>C on the plus strand (A>G on the coding strand, the complement: MAX is on the minus strand). VCF-style: chr14-65076499-T-C. GRCh37 (hg19) VCF-style: chr14-65543217-T-C.
Other names: c.144+17209A>G (NM_001271069.2); c.171+17209A>G (NM_197957.4); c.271A>G, p.Lys91Glu (NM_001320415.2, NM_001407105.1, NM_001407106.1 and 1 more transcripts); c.460A>G, p.Lys154Glu (NM_001407094.1); c.433A>G, p.Lys145Glu (NM_001407095.1, NM_145112.3); c.*233A>G (NM_001407096.1, NM_001407099.1, NM_001407102.1 and 2 more transcripts); c.*249A>G (NM_001407097.1, NM_001407100.1, NM_001407101.1 and 4 more transcripts); c.352A>G, p.Lys118Glu (NM_001407098.1); and 1 more; short protein forms K145E, K154E, K118E, K87E, K91E.
Identifiers: ClinVar variation 2757638 (VCV002757638.3), dbSNP rs2504172702, ClinGen allele CA390031175.